The following is an entry in ClinVar:

NM_015910.7(WDPCP):c.1415G>A (p.Gly472Asp)

Gene: WDPCP (WD repeat containing planar cell polarity effector; minus strand). Cytogenetic location: 2p15.
Variant type: single nucleotide variant.
Coding change: c.1415G>A on transcript NM_015910.7 (MANE Select); coding-DNA position 1415, G replaced by A.
Protein change: p.Gly472Asp; replaces glycine 472 with aspartic acid.
Molecular consequence: missense variant. On other transcripts: non-coding transcript variant (3).
Genome position (GRCh38, 1-based): chr2:63,404,068, C>T on the plus strand (G>A on the coding strand, the complement: WDPCP is on the minus strand). VCF-style: chr2-63404068-C-T. GRCh37 (hg19) VCF-style: chr2-63631203-C-T.
Other names: c.938G>A, p.Gly313Asp (NM_001042692.3); c.1343G>A, p.Gly448Asp (NM_001354044.2); c.1415G>A, p.Gly472Asp (NM_001354045.2); short protein forms G313D, G472D, G448D.
Identifiers: ClinVar variation 1037424 (VCV001037424.8), dbSNP rs1694358624, ClinGen allele CA347064456.

ClinVar aggregate classification (germline): Uncertain significance (1 of 4 stars; one submission).

Conditions:
Bardet-Biedl syndrome (BBS). Identifiers: Orphanet 110, MedGen C0752166, MONDO:0015229.

Submission:

Labcorp Genetics (formerly Invitae), Labcorp
Classification: Uncertain significance for Bardet-Biedl syndrome. Last evaluated: 2022-07-12. Review status: criteria provided, single submitter. Criteria: Invitae Variant Classification Sherloc (09022015). Collection method: clinical testing. Allele origin: germline.
Comment: In summary, the available evidence is currently insufficient to determine the role of this variant in disease. Therefore, it has been classified as a Variant of Uncertain Significance. Algorithms developed to predict the effect of missense changes on protein structure and function are either unavailable or do not agree on the potential impact of this missense change (SIFT: "Deleterious"; PolyPhen-2: "Probably Damaging"; Align-GVGD: "Class C15"). ClinVar contains an entry for this variant (Variation ID: 1037424). This variant has not been reported in the literature in individuals affected with WDPCP-related conditions. This variant is not present in population databases (gnomAD no frequency). This sequence change replaces glycine, which is neutral and non-polar, with aspartic acid, which is acidic and polar, at codon 472 of the WDPCP protein (p.Gly472Asp).